The following is an entry in ClinVar:

NM_004655.4(AXIN2):c.1706A>C (p.Gln569Pro)

Gene: AXIN2 (axin 2; minus strand). Cytogenetic location: 17q24.1.
Variant type: single nucleotide variant.
Coding change: c.1706A>C on transcript NM_004655.4 (MANE Select); coding-DNA position 1706, A replaced by C.
Protein change: p.Gln569Pro; replaces glutamine 569 with proline.
Molecular consequence: missense variant.
Genome position (GRCh38, 1-based): chr17:65,537,330, T>G on the plus strand (A>C on the coding strand, the complement: AXIN2 is on the minus strand). VCF-style: chr17-65537330-T-G. GRCh37 (hg19) VCF-style: chr17-63533448-T-G.
Other names: c.1706A>C, p.Gln569Pro (NM_001363813.1); short protein forms Q569P.
Identifiers: ClinVar variation 1992930 (VCV001992930.4), dbSNP rs2509411011, ClinGen allele CA400676791.

ClinVar aggregate classification (germline): Uncertain significance (1 of 4 stars; one submission).

Conditions:
Oligodontia-cancer predisposition syndrome. Also called: TOOTH AGENESIS-COLORECTAL CANCER SYNDROME. Identifiers: Orphanet 300576, MedGen C1837750, MONDO:0012075, OMIM 608615. Disease mechanism: loss of function.

Submission:

Labcorp Genetics (formerly Invitae), Labcorp
Classification: Uncertain significance for Oligodontia-cancer predisposition syndrome. Last evaluated: 2022-05-11. Review status: criteria provided, single submitter. Criteria: Invitae Variant Classification Sherloc (09022015). Collection method: clinical testing. Allele origin: germline.
Comment: This variant is not present in population databases (gnomAD no frequency). This sequence change replaces glutamine, which is neutral and polar, with proline, which is neutral and non-polar, at codon 569 of the AXIN2 protein (p.Gln569Pro). This variant has not been reported in the literature in individuals affected with AXIN2-related conditions. In summary, the available evidence is currently insufficient to determine the role of this variant in disease. Therefore, it has been classified as a Variant of Uncertain Significance. Algorithms developed to predict the effect of missense changes on protein structure and function output the following: SIFT: "Tolerated"; PolyPhen-2: "Benign"; Align-GVGD: "Class C0". The proline amino acid residue is found in multiple mammalian species, which suggests that this missense change does not adversely affect protein function.